The following is an entry in ClinVar:

NM_004360.5(CDH1):c.1123T>G (p.Phe375Val)

Gene: CDH1 (cadherin 1; plus strand). Cytogenetic location: 16q22.1.
Variant type: single nucleotide variant.
Coding change: c.1123T>G on transcript NM_004360.5 (MANE Select); coding-DNA position 1123, T replaced by G.
Protein change: p.Phe375Val; replaces phenylalanine 375 with valine.
Molecular consequence: missense variant. On other transcripts: 5 prime UTR variant (2).
Genome position (GRCh38, 1-based): chr16:68,812,249, T>G. VCF-style: chr16-68812249-T-G. GRCh37 (hg19) VCF-style: chr16-68846152-T-G.
Other names: c.1123T>G (LRG_301t1); c.1123T>G, p.Phe375Val (NM_001317184.2); c.-493T>G (NM_001317185.2); c.-697T>G (NM_001317186.2); short protein forms F375V.
Identifiers: ClinVar variation 649032 (VCV000649032.9), dbSNP rs1597894887, ClinGen allele CA396460256.

ClinVar aggregate classification (germline): Uncertain significance (1 of 4 stars; one submission).

Conditions:
Hereditary diffuse gastric adenocarcinoma (HDGC). Also called: DIFFUSE GASTRIC AND LOBULAR BREAST CANCER SYNDROME. Identifiers: Orphanet 26106, MedGen C1708349, MONDO:0007648, OMIM 137215.

Submission:

Labcorp Genetics (formerly Invitae), Labcorp
Classification: Uncertain significance for Hereditary diffuse gastric adenocarcinoma. Last evaluated: 2018-08-08. Review status: criteria provided, single submitter. Criteria: Invitae Variant Classification Sherloc (09022015). Collection method: clinical testing. Allele origin: germline.
Comment: This sequence change replaces phenylalanine with valine at codon 375 of the CDH1 protein (p.Phe375Val). The phenylalanine residue is highly conserved and there is a small physicochemical difference between phenylalanine and valine. This variant is not present in population databases (ExAC no frequency). This variant has not been reported in the literature in individuals with CDH1-related disease. Algorithms developed to predict the effect of missense changes on protein structure and function (SIFT, PolyPhen-2, Align-GVGD) all suggest that this variant is likely to be disruptive, but these predictions have not been confirmed by published functional studies and their clinical significance is uncertain. In summary, the available evidence is currently insufficient to determine the role of this variant in disease. Therefore, it has been classified as a Variant of Uncertain Significance.